The following is an entry in ClinVar:

ClinVar aggregate classification (germline): Uncertain significance (1 of 4 stars; one submission).

Conditions:
Congenital myasthenic syndrome 8. Also called: MYASTHENIC SYNDROME, CONGENITAL, DUE TO AGRIN DEFICIENCY; Myasthenic syndrome, congenital, 8, with pre- and postsynaptic defects. Identifiers: Orphanet 590, MedGen C3808739, MONDO:0014052, OMIM 615120.

gnomAD v4.1: 2 of 1,368,218 alleles (0.00015%); highest among the groups gnomAD compares: Non-Finnish European, 0.00019%; no homozygotes.

Submission:

Labcorp Genetics (formerly Invitae), Labcorp
Classification: Uncertain significance for Congenital myasthenic syndrome 8. Last evaluated: 2023-07-30. Review status: criteria provided, single submitter. Criteria: Invitae Variant Classification Sherloc (09022015). Collection method: clinical testing. Allele origin: germline.
Comment: In summary, the available evidence is currently insufficient to determine the role of this variant in disease. Therefore, it has been classified as a Variant of Uncertain Significance. Algorithms developed to predict the effect of missense changes on protein structure and function output the following: SIFT: "Not Available"; PolyPhen-2: "Not Available"; Align-GVGD: "Not Available". The glutamine amino acid residue is found in multiple mammalian species, which suggests that this missense change does not adversely affect protein function. This variant has not been reported in the literature in individuals affected with AGRN-related conditions. This variant is not present in population databases (gnomAD no frequency). This sequence change replaces arginine, which is basic and polar, with glutamine, which is neutral and polar, at codon 11 of the AGRN protein (p.Arg11Gln).

NM_198576.4(AGRN):c.32G>A (p.Arg11Gln)

Gene: AGRN (agrin; plus strand). Cytogenetic location: 1p36.33.
Variant type: single nucleotide variant.
Coding change: c.32G>A on transcript NM_198576.4 (MANE Select); coding-DNA position 32, G replaced by A.
Protein change: p.Arg11Gln; replaces arginine 11 with glutamine.
Molecular consequence: missense variant.
Genome position (GRCh38, 1-based): chr1:1,020,204, G>A. VCF-style: chr1-1020204-G-A. GRCh37 (hg19) VCF-style: chr1-955584-G-A.
Other names: c.32G>A, p.Arg11Gln (NM_001305275.2); short protein forms R11Q.
Identifiers: ClinVar variation 2965992 (VCV002965992.3), dbSNP rs1281912578, ClinGen allele CA337809510.